The following is an entry in ClinVar:

NM_017777.4(MKS1):c.1121C>G (p.Pro374Arg)

Gene: MKS1 (MKS transition zone complex subunit 1; minus strand). Cytogenetic location: 17q22.
Variant type: single nucleotide variant.
Coding change: c.1121C>G on transcript NM_017777.4 (MANE Select); coding-DNA position 1121, C replaced by G.
Protein change: p.Pro374Arg; replaces proline 374 with arginine.
Molecular consequence: missense variant.
Genome position (GRCh38, 1-based): chr17:58,208,149, G>C on the plus strand (C>G on the coding strand, the complement: MKS1 is on the minus strand). VCF-style: chr17-58208149-G-C. GRCh37 (hg19) VCF-style: chr17-56285510-G-C.
Other names: c.512C>G, p.Pro171Arg (NM_001321268.2); c.1121C>G, p.Pro374Arg (NM_001321269.2, NM_001330397.2); c.1121C>G (NM_017777.3); short protein forms P374R, P171R.
Identifiers: ClinVar variation 1466365 (VCV001466365.6), dbSNP rs773157492, ClinGen allele CA8669257.

ClinVar aggregate classification (germline): Uncertain significance. Review status: criteria provided, multiple submitters, no conflicts (2 of 4 stars). 2 submissions from 2 submitters: Uncertain significance (2). Last evaluated 2025-01-31.

Conditions:
MKS1-related disorder. Also called: MKS1-related disorders; MKS1-related condition. Identifiers: MedGen CN239382.
Joubert syndrome. Also called: Familial aplasia of the vermis; JOUBERT-BOLTSHAUSER SYNDROME. Identifiers: Orphanet 475, MedGen C5979921, MONDO:0018772.
Meckel-Gruber syndrome. Also called: Dysencephalia splachnocystica; DYSENCEPHALIA SPLANCHNOCYSTICA; GRUBER SYNDROME. Identifiers: Orphanet 564, MedGen C0265215, MONDO:0018921.

Allele frequency attached by ClinVar (database versions not stated): gnomAD exomes below 0.00001; ExAC 0.00001; gnomAD 0.00001.
gnomAD v4.1: 28 of 1,613,638 alleles (0.0017%); highest among the groups gnomAD compares: Non-Finnish European, 0.0024%; no homozygotes.

Submissions (2):

PreventionGenetics, part of Exact Sciences
Classification: Uncertain significance for MKS1-related condition. Last evaluated: 2025-01-31. Review status: criteria provided, single submitter. Criteria: ACMG Guidelines, 2015. Collection method: clinical testing. Allele origin: germline.
Comment: The MKS1 c.1121C>G variant is predicted to result in the amino acid substitution p.Pro374Arg. To our knowledge, this variant has not been reported in the literature. This variant is reported in 0.00088% of alleles in individuals of European (Non-Finnish) descent in gnomAD. At this time, the clinical significance of this variant is uncertain due to the absence of conclusive functional and genetic evidence.

Labcorp Genetics (formerly Invitae), Labcorp
Classification: Uncertain significance for Joubert syndrome; Meckel-Gruber syndrome. Last evaluated: 2021-09-01. Review status: criteria provided, single submitter. Criteria: Invitae Variant Classification Sherloc (09022015). Collection method: clinical testing. Allele origin: germline.
Comment: This sequence change replaces proline with arginine at codon 374 of the MKS1 protein (p.Pro374Arg). The proline residue is highly conserved and there is a moderate physicochemical difference between proline and arginine. This variant is present in population databases (rs773157492, ExAC 0.002%). This variant has not been reported in the literature in individuals affected with MKS1-related conditions. Algorithms developed to predict the effect of missense changes on protein structure and function are either unavailable or do not agree on the potential impact of this missense change (SIFT: "Tolerated"; PolyPhen-2: "Probably Damaging"; Align-GVGD: "Class C0"). In summary, the available evidence is currently insufficient to determine the role of this variant in disease. Therefore, it has been classified as a Variant of Uncertain Significance.